The following is an entry in ClinVar:

NM_002890.3(RASA1):c.1273C>A (p.His425Asn)

Genes: CCNH (cyclin H; minus strand), RASA1 (RAS p21 protein activator 1; plus strand). Cytogenetic location: 5q14.3.
Variant type: single nucleotide variant.
Coding change: c.1273C>A on transcript NM_002890.3 (MANE Select); coding-DNA position 1273, C replaced by A.
Protein change: p.His425Asn; replaces histidine 425 with asparagine.
Molecular consequence: missense variant. On other transcripts: intron variant (1).
Genome position (GRCh38, 1-based): chr5:87,353,176, C>A. VCF-style: chr5-87353176-C-A. GRCh37 (hg19) VCF-style: chr5-86648993-C-A.
Other names: c.742C>A, p.His248Asn (NM_022650.3); c.934-40381G>T (NM_001364075.2); short protein forms H248N, H425N.
Identifiers: ClinVar variation 3625584 (VCV003625584.2).

ClinVar aggregate classification (germline): Uncertain significance (1 of 4 stars; one submission).

Conditions:
Capillary malformation-arteriovenous malformation syndrome. Also called: Capillary malformation-arteriovenous malformation. Identifiers: Orphanet 137667, MedGen C1842180, MONDO:0012016.

Submission:

Labcorp Genetics (formerly Invitae), Labcorp
Classification: Uncertain significance for Capillary malformation-arteriovenous malformation syndrome. Last evaluated: 2024-05-31. Review status: criteria provided, single submitter. Criteria: Invitae Variant Classification Sherloc (09022015). Collection method: clinical testing. Allele origin: germline.
Comment: This sequence change replaces histidine, which is basic and polar, with asparagine, which is neutral and polar, at codon 425 of the RASA1 protein (p.His425Asn). This variant is not present in population databases (gnomAD no frequency). This variant has not been reported in the literature in individuals affected with RASA1-related conditions. An algorithm developed to predict the effect of missense changes on protein structure and function (PolyPhen-2) suggests that this variant is likely to be tolerated. In summary, the available evidence is currently insufficient to determine the role of this variant in disease. Therefore, it has been classified as a Variant of Uncertain Significance.